The following is an entry in ClinVar:

NM_032043.3(BRIP1):c.2974del (p.Thr992fs)

Gene: BRIP1 (BRCA1 interacting helicase 1; minus strand). Cytogenetic location: 17q23.2.
Variant type: Deletion.
Coding change: c.2974del on transcript NM_032043.3 (MANE Select); coding-DNA position 2974, one base deleted (A; older notation c.2974delA).
Protein change: p.Thr992fs; shifts the reading frame from threonine 992.
Molecular consequence: frameshift variant.
Genome position (GRCh38, 1-based): chr17:61,684,072, T deleted on the plus strand (A on the coding strand, the reverse complement: BRIP1 is on the minus strand); the first of 2 consecutive T bases (chr17:61,684,072-61,684,073); deleting either gives the same sequence. VCF-style (leftmost placement, unchanged base first): chr17-61684071-GT-G. GRCh37 (hg19) VCF-style: chr17-59761432-GT-G.
Other names: c.2974delA (NM_032043.2); short protein forms T992fs.
Identifiers: ClinVar variation 420735 (VCV000420735.2), dbSNP rs1064794668, ClinGen allele CA16620512.

ClinVar aggregate classification (germline): Pathogenic (1 of 4 stars; one submission).

Submission:

GeneDx
Classification: Pathogenic. Last evaluated: 2016-03-23. Review status: criteria provided, single submitter. Criteria: GeneDx Variant Classification (06012015). Collection method: clinical testing. Allele origin: germline. Affected: yes.
Comment: This deletion of one nucleotide in BRIP1 is denoted c.2974delA at the cDNA level and p.Thr992LeufsX67 (T992LfsX67) at the protein level. The normal sequence, with the base that is deleted in braces, is CCCA[A]CTTT. The deletion causes a frameshift which changes a Threonine to a Leucine at codon 992, and creates a premature stop codon at position 67 of the new reading frame. Even though this frameshift occurs in the last exon of the gene, and nonsense-mediated decay is not expected to occur, it is significant since the last 257 amino acids are replaced by 66 incorrect amino acids. Although this variant has not, to our knowledge, been reported in the literature, it is predicted to cause loss of normal protein function through protein truncation. We consider this variant to be pathogenic.